The following is an entry in ClinVar:

NM_001004334.4(GPR179):c.2542G>C (p.Glu848Gln)

Gene: GPR179 (G protein-coupled receptor 179; minus strand). Cytogenetic location: 17q12.
Variant type: single nucleotide variant.
Coding change: c.2542G>C on transcript NM_001004334.4 (MANE Select); coding-DNA position 2542, G replaced by C.
Protein change: p.Glu848Gln; replaces glutamic acid 848 with glutamine.
Molecular consequence: missense variant.
Genome position (GRCh38, 1-based): chr17:38,331,027, C>G on the plus strand (G>C on the coding strand, the complement: GPR179 is on the minus strand). VCF-style: chr17-38331027-C-G. GRCh37 (hg19) VCF-style: chr17-36486910-C-G.
Other names: short protein forms E848Q.
Identifiers: ClinVar variation 4719239 (VCV004719239.1).
Genomic context (GRCh38, chr17:38,331,027, plus strand): 5'-CCTTTGCTTGCCGGTAGGTCTCCTCCAGGTAGGCCTGGCTGGCCATGAGCAAGGCCTTTT[C>G]CCTGGAGCTGGCCACACTGAGCGACTTCTGCAGAGAGGCGGGCCGGGCTCTGGGTAGCCT-3'
Protein context (NP_001004334.3, residues 838-858): QKSLSVASSR[Glu848Gln]KALLMASQAY

ClinVar aggregate classification (germline): Uncertain significance (1 of 4 stars; one submission).

Submission:

Labcorp Genetics (formerly Invitae), Labcorp
Classification: Uncertain significance. Last evaluated: 2025-05-28. Review status: criteria provided, single submitter. Criteria: Invitae Variant Classification Sherloc (09022015). Collection method: clinical testing. Allele origin: germline.
Comment: This sequence change replaces glutamic acid, which is acidic and polar, with glutamine, which is neutral and polar, at codon 848 of the GPR179 protein (p.Glu848Gln). This variant is not present in population databases (gnomAD no frequency). This variant has not been reported in the literature in individuals affected with GPR179-related conditions. An algorithm developed to predict the effect of missense changes on protein structure and function (PolyPhen-2) suggests that this variant is likely to be disruptive. In summary, the available evidence is currently insufficient to determine the role of this variant in disease. Therefore, it has been classified as a Variant of Uncertain Significance.